The following is an entry in ClinVar:

NM_025103.4(IFT74):c.40T>A (p.Ser14Thr)

Gene: IFT74 (intraflagellar transport 74; plus strand). Cytogenetic location: 9p21.2.
Variant type: single nucleotide variant.
Coding change: c.40T>A on transcript NM_025103.4 (MANE Select); coding-DNA position 40, T replaced by A.
Protein change: p.Ser14Thr; replaces serine 14 with threonine.
Molecular consequence: missense variant.
Genome position (GRCh38, 1-based): chr9:26,962,007, T>A. VCF-style: chr9-26962007-T-A. GRCh37 (hg19) VCF-style: chr9-26962005-T-A.
Other names: c.40T>A, p.Ser14Thr (NM_001099222.3, NM_001099223.3, NM_001099224.3 and 1 more transcripts); short protein forms S14T.
Identifiers: ClinVar variation 2089689 (VCV002089689.4), dbSNP rs747308436, ClinGen allele CA373120011.

ClinVar aggregate classification (germline): Uncertain significance (1 of 4 stars; one submission).

gnomAD v4.1: 2 of 1,614,162 alleles (0.00012%); highest among the groups gnomAD compares: Non-Finnish European, 0.00017%; no homozygotes.

Submission:

Labcorp Genetics (formerly Invitae), Labcorp
Classification: Uncertain significance. Last evaluated: 2022-02-19. Review status: criteria provided, single submitter. Criteria: Invitae Variant Classification Sherloc (09022015). Collection method: clinical testing. Allele origin: germline.
Comment: In summary, the available evidence is currently insufficient to determine the role of this variant in disease. Therefore, it has been classified as a Variant of Uncertain Significance. Algorithms developed to predict the effect of missense changes on protein structure and function (SIFT, PolyPhen-2, Align-GVGD) all suggest that this variant is likely to be tolerated. This variant has not been reported in the literature in individuals affected with IFT74-related conditions. This variant is not present in population databases (gnomAD no frequency). This sequence change replaces serine, which is neutral and polar, with threonine, which is neutral and polar, at codon 14 of the IFT74 protein (p.Ser14Thr).